The following is an entry in ClinVar:

ClinVar aggregate classification (germline): Likely benign (0 of 4 stars; one submission).

Conditions:
KANK1-related disorder. Also called: KANK1-related condition.

Allele frequency attached by ClinVar (database versions not stated): gnomAD exomes 0.00001; TOPMed 0.00002; gnomAD 0.00003; ExAC 0.00005; 1000 Genomes Project 30x 0.00078; 1000 Genomes Project 0.00080.
gnomAD v4.1: 20 of 1,614,126 alleles (0.0012%); highest among the groups gnomAD compares: East Asian, 0.038%; no homozygotes.

Submission:

PreventionGenetics, part of Exact Sciences
Classification: Likely benign for KANK1-related condition. Last evaluated: 2019-07-12. Review status: no assertion criteria provided. Collection method: clinical testing. Allele origin: germline.
Comment: This variant is classified as likely benign based on ACMG/AMP sequence variant interpretation guidelines (Richards et al. 2015 PMID: 25741868, with internal and published modifications).

NM_015158.5(KANK1):c.183G>A (p.Leu61=)

Gene: KANK1 (KN motif and ankyrin repeat domains 1; plus strand). Cytogenetic location: 9p24.3.
Variant type: single nucleotide variant.
Coding change: c.183G>A on transcript NM_015158.5 (MANE Select); coding-DNA position 183, G replaced by A.
Protein change: p.Leu61=; no amino-acid change (leucine 61 retained).
Molecular consequence: synonymous variant. On other transcripts: 5 prime UTR variant (12), non-coding transcript variant (1).
Genome position (GRCh38, 1-based): chr9:710,949, G>A. VCF-style: chr9-710949-G-A. GRCh37 (hg19) VCF-style: chr9-710949-G-A.
Other names: c.183G>A, p.Leu61= (NM_001256876.3, NM_001256877.3, NM_001354331.2 and 2 more transcripts); c.-292G>A (NM_001354333.2, NM_001354335.2, NM_001354336.2 and 9 more transcripts).
Identifiers: ClinVar variation 3049729 (VCV003049729.2), dbSNP rs117914490, ClinGen allele CA4959868.
Genomic context (GRCh38, chr9:710,949, plus strand): 5'-AGACTTAGATTTCCTCAAATATGTGGATGACATACAGAAGGGAAATACCATCAAAAGACT[G>A]AACATCCAGAAGAGGCGGAAGCCGTCCGTGCCATGCCCAGAACCCAGGACCACATCTGGT-3'
Protein context (NP_055973.2, residues 51-71): DIQKGNTIKR[Leu61=]NIQKRRKPSV